The following is an entry in ClinVar:

ClinVar aggregate classification (germline): Uncertain significance (1 of 4 stars; one submission).

Conditions:
Hereditary cancer-predisposing syndrome. Also called: Hereditary Cancer Syndrome; Hereditary neoplastic syndrome; Neoplastic Syndromes, Hereditary; Tumor predisposition. Identifiers: Orphanet 140162, MedGen C0027672, MeSH D009386, MONDO:0015356.

Submission:

Ambry Genetics
Classification: Uncertain significance for Hereditary cancer-predisposing syndrome. Last evaluated: 2025-08-25. Review status: criteria provided, single submitter. Criteria: Ambry Variant Classification Scheme 2023. Collection method: clinical testing. Allele origin: germline.
Comment: The p.M1069I variant (also known as c.3207G>T), located in coding exon 20 of the ALK gene, results from a G to T substitution at nucleotide position 3207. The methionine at codon 1069 is replaced by isoleucine, an amino acid with highly similar properties. This amino acid position is conserved. In addition, this alteration is predicted to be tolerated by in silico analysis. Based on the available evidence, the clinical significance of this variant remains unclear.

NM_004304.5(ALK):c.3207G>T (p.Met1069Ile)

Gene: ALK (ALK receptor tyrosine kinase; minus strand). Cytogenetic location: 2p23.2.
Variant type: single nucleotide variant.
Coding change: c.3207G>T on transcript NM_004304.5 (MANE Select); coding-DNA position 3207, G replaced by T.
Protein change: p.Met1069Ile; replaces methionine 1069 with isoleucine.
Molecular consequence: missense variant. On other transcripts: initiator codon variant (1).
Genome position (GRCh38, 1-based): chr2:29,223,494, C>A on the plus strand (G>T on the coding strand, the complement: ALK is on the minus strand). VCF-style: chr2-29223494-C-A. GRCh37 (hg19) VCF-style: chr2-29446360-C-A.
Other names: c.3G>T, p.Met1Ile (NM_001353765.2); short protein forms M1069I, M1I.
Identifiers: ClinVar variation 4273142 (VCV004273142.1).